The following is an entry in ClinVar:

ClinVar aggregate classification (germline): Conflicting classifications of pathogenicity. Review status: criteria provided, conflicting classifications (1 of 4 stars). 3 submissions from 3 submitters: Uncertain significance (1); Likely benign (2). Last evaluated 2024-04-01.

Conditions:
Platelet-type bleeding disorder 10. Also called: CD36 DEFICIENCY. Identifiers: MedGen C1842090, MONDO:0012031, OMIM 608404.

Allele frequency attached by ClinVar (database versions not stated): gnomAD exomes 0.00002; ExAC 0.00003; gnomAD 0.00005 and 0.00006; TOPMed 0.00009.

Submissions (3):

CeGaT Center for Human Genetics Tuebingen
Classification: Likely benign. Last evaluated: 2024-04-01. Review status: criteria provided, single submitter. Criteria: CeGaT Center For Human Genetics Tuebingen Variant Classification Criteria Version 2. Collection method: clinical testing. Allele origin: germline. Affected: yes. Observed: 1 variant allele.
Comment: CD36: BP4, BP7

Blueprint Genetics
Classification: Likely benign. Last evaluated: 2023-08-23. Review status: criteria provided, single submitter. Criteria: ACMG Guidelines, 2015. Collection method: clinical testing. Allele origin: germline.

Illumina Laboratory Services, Illumina
Classification: Uncertain significance for Platelet-type bleeding disorder 10. Last evaluated: 2017-04-27. Review status: criteria provided, single submitter. Criteria: ICSL Variant Classification Criteria 13 December 2019. Collection method: clinical testing. Allele origin: germline.

NM_001001548.3(CD36):c.846C>T (p.Asp282=)

Gene: CD36 (CD36 molecule (CD36 blood group); plus strand). Cytogenetic location: 7q21.11.
Variant type: single nucleotide variant.
Coding change: c.846C>T on transcript NM_001001548.3 (MANE Select); coding-DNA position 846, C replaced by T.
Protein change: p.Asp282=; no amino-acid change (aspartic acid 282 retained).
Molecular consequence: synonymous variant.
Genome position (GRCh38, 1-based): chr7:80,671,004, C>T. VCF-style: chr7-80671004-C-T. GRCh37 (hg19) VCF-style: chr7-80300320-C-T.
Other names: c.846C>T, p.Asp282= (NM_000072.3, NM_001001547.3, NM_001127443.2 and 5 more transcripts); c.729C>T, p.Asp243= (NM_001289908.1); c.666C>T, p.Asp222= (NM_001289909.1); c.618C>T, p.Asp206= (NM_001289911.2); c.744C>T, p.Asp248= (NM_001371079.1); c.381C>T, p.Asp127= (NM_001371080.1, NM_001371081.1).
Identifiers: ClinVar variation 908990 (VCV000908990.25), dbSNP rs749415195, ClinGen allele CA4315463.